The following is an entry in ClinVar:

ClinVar aggregate classification (germline): Likely pathogenic (1 of 4 stars; one submission).

Conditions:
Glycogen storage disease type III (GSD3). Also called: Cori disease; FORBES DISEASE. Identifiers: Orphanet 366, MedGen C0017922, MONDO:0009291, OMIM 232400.

Submission:

Myriad Genetics, Inc.
Classification: Likely pathogenic for Glycogen storage disease type III. Last evaluated: 2019-12-27. Review status: criteria provided, single submitter. Criteria: Myriad Women's Health Autosomal Recessive and X-Linked Classification Criteria (2019). Collection method: clinical testing. Allele origin: unknown.
Comment: NM_000642.2(AGL):c.3835A>T(R1279*) is expected to be pathogenic in the context of glycogen storage disease type III. This variant is predicted to lead to an abnormal or absent protein product due to the creation of a premature termination codon in AGL, a gene where loss-of-function variants are known to be pathogenic. Please note: this variant was assessed in the context of healthy population screening.

NM_000642.3(AGL):c.3835A>T (p.Arg1279Ter)

Gene: AGL (amylo-alpha-1,6-glucosidase and 4-alpha-glucanotransferase; plus strand). Cytogenetic location: 1p21.2.
Variant type: single nucleotide variant.
Coding change: c.3835A>T on transcript NM_000642.3 (MANE Select); coding-DNA position 3835, A replaced by T.
Protein change: p.Arg1279Ter; replaces arginine 1279 with a stop codon.
Molecular consequence: nonsense.
Genome position (GRCh38, 1-based): chr1:99,910,846, A>T. VCF-style: chr1-99910846-A-T. GRCh37 (hg19) VCF-style: chr1-100376402-A-T.
Other names: c.3835A>T, p.Arg1279Ter (NM_000028.3, NM_000643.3, NM_000644.3 and 1 more transcripts); c.3787A>T, p.Arg1263Ter (NM_000646.3); c.3814A>T, p.Arg1272Ter (NM_001425326.1); c.3634A>T, p.Arg1212Ter (NM_001425327.1); c.3631A>T, p.Arg1211Ter (NM_001425328.1); c.3496A>T, p.Arg1166Ter (NM_001425329.1); c.3457A>T, p.Arg1153Ter (NM_001425332.1); short protein forms R1263*, R1279*, R1153*, R1166*, R1211*, R1212*, R1272*.
Identifiers: ClinVar variation 984283 (VCV000984283.3), dbSNP rs1654701324, ClinGen allele CA341338095.